The following is an entry in ClinVar:

NM_144631.6(ZNF513):c.421G>A (p.Gly141Arg)

Gene: ZNF513 (zinc finger protein 513; minus strand). Cytogenetic location: 2p23.3.
Variant type: single nucleotide variant.
Coding change: c.421G>A on transcript NM_144631.6 (MANE Select); coding-DNA position 421, G replaced by A.
Protein change: p.Gly141Arg; replaces glycine 141 with arginine.
Molecular consequence: missense variant.
Genome position (GRCh38, 1-based): chr2:27,378,845, C>T on the plus strand (G>A on the coding strand, the complement: ZNF513 is on the minus strand). VCF-style: chr2-27378845-C-T. GRCh37 (hg19) VCF-style: chr2-27601712-C-T.
Other names: c.235G>A, p.Gly79Arg (NM_001201459.2); short protein forms G141R, G79R.
Identifiers: ClinVar variation 1423776 (VCV001423776.9), dbSNP rs1391179265, ClinGen allele CA346218410.

ClinVar aggregate classification (germline): Uncertain significance. Review status: criteria provided, multiple submitters, no conflicts (2 of 4 stars). 2 submissions from 2 submitters: Uncertain significance (2). Last evaluated 2025-08-04.

Allele frequency attached by ClinVar (database versions not stated): gnomAD exomes 0.00001 and 0.00003; TOPMed 0.00001.
gnomAD v4.1: 9 of 1,606,314 alleles (0.00056%); highest among the groups gnomAD compares: Admixed American, 0.012%; no homozygotes.

Submissions (2):

Labcorp Genetics (formerly Invitae), Labcorp
Classification: Uncertain significance. Last evaluated: 2025-08-04. Review status: criteria provided, single submitter. Criteria: Invitae Variant Classification Sherloc (09022015). Collection method: clinical testing. Allele origin: germline.
Comment: This sequence change replaces glycine, which is neutral and non-polar, with arginine, which is basic and polar, at codon 141 of the ZNF513 protein (p.Gly141Arg). This variant is present in population databases (no rsID available, gnomAD 0.01%). This variant has not been reported in the literature in individuals affected with ZNF513-related conditions. ClinVar contains an entry for this variant (Variation ID: 1423776). An algorithm developed to predict the effect of missense changes on protein structure and function (PolyPhen-2) suggests that this variant is likely to be disruptive. In summary, the available evidence is currently insufficient to determine the role of this variant in disease. Therefore, it has been classified as a Variant of Uncertain Significance.

Blueprint Genetics
Classification: Uncertain significance. Last evaluated: 2022-06-06. Review status: criteria provided, single submitter. Criteria: ACMG Guidelines, 2015. Collection method: clinical testing. Allele origin: germline.